The following is an entry in ClinVar:

ClinVar aggregate classification (germline): Conflicting classifications of pathogenicity. Review status: criteria provided, conflicting classifications (1 of 4 stars). 4 submissions from 4 submitters: Uncertain significance (2); Likely benign (1). 1 of the submissions does not count toward it. Last evaluated 2024-12-12.

Conditions:
Inborn genetic diseases. Identifiers: MedGen C0950123, MeSH D030342.

Allele frequency attached by ClinVar (database versions not stated): gnomAD exomes below 0.00001 and 0.00001; ExAC 0.00002.
gnomAD v4.1: 5 of 1,614,096 alleles (0.00031%); highest among the groups gnomAD compares: Non-Finnish European, 0.00042%; no homozygotes.

Submissions (4):

Labcorp Genetics (formerly Invitae), Labcorp
Classification: Uncertain significance. Last evaluated: 2024-12-12. Review status: criteria provided, single submitter. Criteria: Invitae Variant Classification Sherloc (09022015). Collection method: clinical testing. Allele origin: germline.
Comment: This sequence change replaces proline, which is neutral and non-polar, with leucine, which is neutral and non-polar, at codon 737 of the SETBP1 protein (p.Pro737Leu). This variant is present in population databases (rs753974276, gnomAD 0.002%). This variant has not been reported in the literature in individuals affected with SETBP1-related conditions. ClinVar contains an entry for this variant (Variation ID: 1049683). Invitae Evidence Modeling of protein sequence and biophysical properties (such as structural, functional, and spatial information, amino acid conservation, physicochemical variation, residue mobility, and thermodynamic stability) indicates that this missense variant is not expected to disrupt SETBP1 protein function with a negative predictive value of 80%. In summary, the available evidence is currently insufficient to determine the role of this variant in disease. Therefore, it has been classified as a Variant of Uncertain Significance.

Blueprint Genetics
Classification: Likely benign. Last evaluated: 2023-04-20. Review status: criteria provided, single submitter. Criteria: ACMG Guidelines, 2015. Collection method: clinical testing. Allele origin: germline.

Ambry Genetics
Classification: Uncertain significance for Inborn genetic diseases. Last evaluated: 2021-07-28. Review status: criteria provided, single submitter. Criteria: Ambry Variant Classification Scheme 2023. Collection method: clinical testing. Allele origin: germline.

Department of Pathology and Laboratory Medicine, Sinai Health System
Classification: Uncertain significance. Review status: no assertion criteria provided. Collection method: clinical testing. Allele origin: unknown. Affected: yes. Study: The Canadian Open Genetics Repository (COGR). Not counted in ClinVar's aggregate classification.
Comment: The SETBP1 p.Pro737Leu variant was not identified in the literature nor was it identified in ClinVar or LOVD 3.0. The variant was identified in dbSNP (ID: rs753974276) and in Cosmic (FATHMM predicted pathogenic; score=0.98). The variant was also identified in control databases in 2 of 250820 chromosomes at a frequency of 0.000008 (Genome Aggregation Database Feb 27, 2017). The variant was observed in the following population: European (non-Finnish) in 2 of 113370 chromosomes (freq: 0.000018), while the variant was not observed in the African, Latino, Ashkenazi Jewish, East Asian, European (Finnish), Other, and South Asian populations. The p.Pro737 residue is conserved across mammals and other organisms, and computational analyses (PolyPhen-2, SIFT, AlignGVGD, BLOSUM, MutationTaster) suggest that the variant may impact the protein; however, this information is not predictive enough to assume pathogenicity. The variant occurs outside of the splicing consensus sequence and in silico or computational prediction software programs (SpliceSiteFinder, MaxEntScan, NNSPLICE, GeneSplicer) do not predict a difference in splicing. In summary, based on the above information the clinical significance of this variant cannot be determined with certainty at this time. This variant is classified as a variant of uncertain significance.

NM_015559.3(SETBP1):c.2210C>T (p.Pro737Leu)

Gene: SETBP1 (SET binding protein 1; plus strand). Cytogenetic location: 18q12.3.
Variant type: single nucleotide variant.
Coding change: c.2210C>T on transcript NM_015559.3 (MANE Select); coding-DNA position 2210, C replaced by T.
Protein change: p.Pro737Leu; replaces proline 737 with leucine.
Molecular consequence: missense variant.
Genome position (GRCh38, 1-based): chr18:44,951,550, C>T. VCF-style: chr18-44951550-C-T. GRCh37 (hg19) VCF-style: chr18-42531515-C-T.
Other names: c.2210C>T, p.Pro737Leu (NM_001379141.1, NM_001379142.1); c.2210C>T (NM_015559.2); short protein forms P737L.
Identifiers: ClinVar variation 1049683 (VCV001049683.7), dbSNP rs753974276, ClinGen allele CA8945724.